The following is an entry in ClinVar:

NM_013266.4(CTNNA3):c.1382A>G (p.Asn461Ser)

Gene: CTNNA3 (catenin alpha 3; minus strand). Cytogenetic location: 10q21.3.
Variant type: single nucleotide variant.
Coding change: c.1382A>G on transcript NM_013266.4 (MANE Select); coding-DNA position 1382, A replaced by G.
Protein change: p.Asn461Ser; replaces asparagine 461 with serine.
Molecular consequence: missense variant.
Genome position (GRCh38, 1-based): chr10:66,520,766, T>C on the plus strand (A>G on the coding strand, the complement: CTNNA3 is on the minus strand). VCF-style: chr10-66520766-T-C. GRCh37 (hg19) VCF-style: chr10-68280524-T-C.
Other names: c.1382A>G, p.Asn461Ser (NM_001127384.3); c.1382A>G (NM_013266.2); short protein forms N461S.
Identifiers: ClinVar variation 1038200 (VCV001038200.10), dbSNP rs751206907, ClinGen allele CA5519966.

ClinVar aggregate classification (germline): Uncertain significance. Review status: criteria provided, multiple submitters, no conflicts (2 of 4 stars). 2 submissions from 2 submitters: Uncertain significance (2). Last evaluated 2024-11-12.

Conditions:
Arrhythmogenic right ventricular dysplasia 13. Also called: Arrhythmogenic right ventricular dysplasia, familial, 13; ARRHYTHMOGENIC RIGHT VENTRICULAR CARDIOMYOPATHY 13. Identifiers: MedGen C3810138, MONDO:0000908, OMIM 615616.

Allele frequency attached by ClinVar (database versions not stated): ExAC 0.00001; gnomAD 0.00001; gnomAD exomes 0.00001; TOPMed 0.00003.
gnomAD v4.1: 11 of 1,612,196 alleles (0.00068%); highest among the groups gnomAD compares: East Asian, 0.013%; no homozygotes.

Submissions (2):

Labcorp Genetics (formerly Invitae), Labcorp
Classification: Uncertain significance for Arrhythmogenic right ventricular dysplasia 13. Last evaluated: 2024-11-12. Review status: criteria provided, single submitter. Criteria: Invitae Variant Classification Sherloc (09022015). Collection method: clinical testing. Allele origin: germline.
Comment: This sequence change replaces asparagine, which is neutral and polar, with serine, which is neutral and polar, at codon 461 of the CTNNA3 protein (p.Asn461Ser). This variant is present in population databases (rs751206907, gnomAD 0.006%). This variant has not been reported in the literature in individuals affected with CTNNA3-related conditions. ClinVar contains an entry for this variant (Variation ID: 1038200). Invitae Evidence Modeling of protein sequence and biophysical properties (such as structural, functional, and spatial information, amino acid conservation, physicochemical variation, residue mobility, and thermodynamic stability) indicates that this missense variant is not expected to disrupt CTNNA3 protein function with a negative predictive value of 80%. In summary, the available evidence is currently insufficient to determine the role of this variant in disease. Therefore, it has been classified as a Variant of Uncertain Significance.

Ambry Genetics
Classification: Uncertain significance. Last evaluated: 2022-12-23. Review status: criteria provided, single submitter. Criteria: Ambry Variant Classification Scheme 2023. Collection method: clinical testing. Allele origin: germline.
Comment: The p.N461S variant (also known as c.1382A>G), located in coding exon 10 of the CTNNA3 gene, results from an A to G substitution at nucleotide position 1382. The asparagine at codon 461 is replaced by serine, an amino acid with highly similar properties. This amino acid position is conserved. In addition, this alteration is predicted to be tolerated by in silico analysis. Since supporting evidence is limited at this time, the clinical significance of this alteration remains unclear.